The following is an entry in ClinVar:

NM_024678.6(NARS2):c.419G>C (p.Arg140Pro)

Gene: NARS2 (asparaginyl-tRNA synthetase 2, mitochondrial; minus strand). Cytogenetic location: 11q14.1.
Variant type: single nucleotide variant.
Coding change: c.419G>C on transcript NM_024678.6 (MANE Select); coding-DNA position 419, G replaced by C.
Protein change: p.Arg140Pro; replaces arginine 140 with proline.
Molecular consequence: missense variant. On other transcripts: 5 prime UTR variant (1).
Genome position (GRCh38, 1-based): chr11:78,566,226, C>G on the plus strand (G>C on the coding strand, the complement: NARS2 is on the minus strand). VCF-style: chr11-78566226-C-G. GRCh37 (hg19) VCF-style: chr11-78277272-C-G.
Other names: c.-263G>C (NM_001243251.2); c.419G>C (NM_024678.5); short protein forms R140P.
Identifiers: ClinVar variation 1388006 (VCV001388006.6), dbSNP rs757999669, ClinGen allele CA6205853.

ClinVar aggregate classification (germline): Uncertain significance. Review status: criteria provided, multiple submitters, no conflicts (2 of 4 stars). 2 submissions from 2 submitters: Uncertain significance (2). Last evaluated 2022-12-22.

gnomAD v4.1: 5 of 1,611,612 alleles (0.00031%); highest among the groups gnomAD compares: East Asian, 0.0022%; no homozygotes.

Submissions (2):

GeneDx
Classification: Uncertain significance. Last evaluated: 2022-12-22. Review status: criteria provided, single submitter. Criteria: GeneDx Variant Classification Process June 2021. Collection method: clinical testing. Allele origin: germline. Affected: yes.
Comment: Not observed at significant frequency in large population cohorts (gnomAD); In silico analysis supports that this missense variant has a deleterious effect on protein structure/function; Has not been previously published as pathogenic or benign to our knowledge

Labcorp Genetics (formerly Invitae), Labcorp
Classification: Uncertain significance. Last evaluated: 2022-06-05. Review status: criteria provided, single submitter. Criteria: Invitae Variant Classification Sherloc (09022015). Collection method: clinical testing. Allele origin: germline.
Comment: This variant is present in population databases (rs757999669, gnomAD 0.0009%). In summary, the available evidence is currently insufficient to determine the role of this variant in disease. Therefore, it has been classified as a Variant of Uncertain Significance. Algorithms developed to predict the effect of missense changes on protein structure and function are either unavailable or do not agree on the potential impact of this missense change (SIFT: "Deleterious"; PolyPhen-2: "Probably Damaging"; Align-GVGD: "Class C0"). ClinVar contains an entry for this variant (Variation ID: 1388006). This variant has not been reported in the literature in individuals affected with NARS2-related conditions. This sequence change replaces arginine, which is basic and polar, with proline, which is neutral and non-polar, at codon 140 of the NARS2 protein (p.Arg140Pro).